The following is an entry in ClinVar:

NM_013432.5(TONSL):c.885G>A (p.Leu295=)

Gene: TONSL (tonsoku like, DNA repair protein; minus strand). Cytogenetic location: 8q24.3.
Variant type: single nucleotide variant.
Coding change: c.885G>A on transcript NM_013432.5 (MANE Select); coding-DNA position 885, G replaced by A.
Protein change: p.Leu295=; no amino-acid change (leucine 295 retained).
Molecular consequence: synonymous variant.
Genome position (GRCh38, 1-based): chr8:144,441,092, C>T on the plus strand (G>A on the coding strand, the complement: TONSL is on the minus strand). VCF-style: chr8-144441092-C-T. GRCh37 (hg19) VCF-style: chr8-145666475-C-T.
Other names: c.885G>A (NM_013432.4).
Identifiers: ClinVar variation 1167844 (VCV001167844.31), dbSNP rs147397546, ClinGen allele CA4943447.

ClinVar aggregate classification (germline): Benign/Likely benign. Review status: criteria provided, multiple submitters, no conflicts (2 of 4 stars). 4 submissions from 4 submitters: Benign (1); Likely benign (2). 1 of the submissions does not count toward it. Last evaluated 2026-02-01.

Conditions:
TONSL-related disorder. Also called: TONSL-related condition.

Allele frequency attached by ClinVar (database versions not stated): ESP Exome Variant Server 0.00192; TOPMed 0.00196; gnomAD 0.00208 and 0.00210; gnomAD exomes 0.00220 and 0.00332; ExAC 0.00241; 1000 Genomes Project 30x 0.00031; 1000 Genomes Project 0.00040.
gnomAD v4.1: 5,107 of 1,612,830 alleles (0.32%); highest among the groups gnomAD compares: Non-Finnish European, 0.39%; 11 homozygotes.

Submissions (4):

CeGaT Center for Human Genetics Tuebingen
Classification: Likely benign. Last evaluated: 2026-02-01. Review status: criteria provided, single submitter. Criteria: CeGaT Center For Human Genetics Tuebingen Variant Classification Criteria Version 2. Collection method: clinical testing. Allele origin: germline. Affected: yes. Observed: 4 variant alleles.
Comment: TONSL: BP4, BP7

Labcorp Genetics (formerly Invitae), Labcorp
Classification: Benign. Last evaluated: 2026-01-27. Review status: criteria provided, single submitter. Criteria: Invitae Variant Classification Sherloc (09022015). Collection method: clinical testing. Allele origin: germline.

Blueprint Genetics
Classification: Likely benign. Last evaluated: 2024-11-25. Review status: criteria provided, single submitter. Criteria: ACMG Guidelines, 2015. Collection method: clinical testing. Allele origin: germline.

PreventionGenetics, part of Exact Sciences
Classification: Likely benign for TONSL-related condition. Last evaluated: 2019-12-05. Review status: no assertion criteria provided. Collection method: clinical testing. Allele origin: germline. Not counted in ClinVar's aggregate classification.
Comment: This variant is classified as likely benign based on ACMG/AMP sequence variant interpretation guidelines (Richards et al. 2015 PMID: 25741868, with internal and published modifications).